The following is an entry in ClinVar:

ClinVar aggregate classification (germline): Uncertain significance (1 of 4 stars; one submission).

Allele frequency attached by ClinVar (database versions not stated): ExAC 0.00001; ESP Exome Variant Server 0.00008.
gnomAD v4.1: 9 of 1,614,100 alleles (0.00056%); highest among the groups gnomAD compares: East Asian, 0.0022%; no homozygotes.

Submission:

Labcorp Genetics (formerly Invitae), Labcorp
Classification: Uncertain significance. Last evaluated: 2023-12-14. Review status: criteria provided, single submitter. Criteria: Invitae Variant Classification Sherloc (09022015). Collection method: clinical testing. Allele origin: germline.
Comment: This sequence change replaces valine, which is neutral and non-polar, with isoleucine, which is neutral and non-polar, at codon 719 of the MYH7B protein (p.Val719Ile). This variant is present in population databases (rs373222220, gnomAD 0.006%). This variant has not been reported in the literature in individuals affected with MYH7B-related conditions. Advanced modeling of protein sequence and biophysical properties (such as structural, functional, and spatial information, amino acid conservation, physicochemical variation, residue mobility, and thermodynamic stability) performed at Invitae indicates that this missense variant is not expected to disrupt MYH7B protein function with a negative predictive value of 80%. In summary, the available evidence is currently insufficient to determine the role of this variant in disease. Therefore, it has been classified as a Variant of Uncertain Significance.

NM_020884.7(MYH7B):c.2029G>A (p.Val677Ile)

Gene: MYH7B (myosin heavy chain 7B; plus strand). Cytogenetic location: 20q11.22.
Variant type: single nucleotide variant.
Coding change: c.2029G>A on transcript NM_020884.7 (MANE Select); coding-DNA position 2029, G replaced by A.
Protein change: p.Val677Ile; replaces valine 677 with isoleucine.
Molecular consequence: missense variant.
Genome position (GRCh38, 1-based): chr20:34,990,789, G>A. VCF-style: chr20-34990789-G-A. GRCh37 (hg19) VCF-style: chr20-33578592-G-A.
Other names: short protein forms V677I.
Identifiers: ClinVar variation 2714716 (VCV002714716.3), dbSNP rs373222220, ClinGen allele CA9827198.